The following is an entry in ClinVar:

NM_001734.5(C1S):c.458G>A (p.Gly153Asp)

Gene: C1S (complement C1s; plus strand). Cytogenetic location: 12p13.31.
Variant type: single nucleotide variant.
Coding change: c.458G>A on transcript NM_001734.5 (MANE Select); coding-DNA position 458, G replaced by A.
Protein change: p.Gly153Asp; replaces glycine 153 with aspartic acid.
Molecular consequence: missense variant. On other transcripts: 5 prime UTR variant (1).
Genome position (GRCh38, 1-based): chr12:7,064,333, G>A. VCF-style: chr12-7064333-G-A. GRCh37 (hg19) VCF-style: chr12-7171637-G-A.
Other names: c.-44G>A (NM_001346850.2); c.458G>A, p.Gly153Asp (NM_201442.4); short protein forms G153D.
Identifiers: ClinVar variation 3657872 (VCV003657872.2).
Genomic context (GRCh38, chr12:7,064,333, plus strand): 5'-ATGAATGCACAGATTTTGTAGATGTCCCTTGTAGCCACTTCTGCAACAATTTCATTGGTG[G>A]TTACTTCTGCTCCTGCCCCCCGGAATATTTCCTCCATGATGACATGAAGAATTGCGGAGG-3'
Protein context (NP_001725.1, residues 143-163): CSHFCNNFIG[Gly153Asp]YFCSCPPEYF

ClinVar aggregate classification (germline): Uncertain significance (1 of 4 stars; one submission).

gnomAD v4.1: 1 of 1,613,966 alleles (0.000062%); no homozygotes.

Submission:

Labcorp Genetics (formerly Invitae), Labcorp
Classification: Uncertain significance. Last evaluated: 2024-06-26. Review status: criteria provided, single submitter. Criteria: Invitae Variant Classification Sherloc (09022015). Collection method: clinical testing. Allele origin: germline.
Comment: This sequence change replaces glycine, which is neutral and non-polar, with aspartic acid, which is acidic and polar, at codon 153 of the C1S protein (p.Gly153Asp). This variant is not present in population databases (gnomAD no frequency). This variant has not been reported in the literature in individuals affected with C1S-related conditions. An algorithm developed to predict the effect of missense changes on protein structure and function (PolyPhen-2) suggests that this variant is likely to be disruptive. In summary, the available evidence is currently insufficient to determine the role of this variant in disease. Therefore, it has been classified as a Variant of Uncertain Significance.